The following is an entry in ClinVar:

ClinVar aggregate classification (germline): Benign. Review status: criteria provided, multiple submitters, no conflicts (2 of 4 stars). 2 submissions from 2 submitters: Benign (2). Last evaluated 2018-06-19.

Allele frequency attached by ClinVar (database versions not stated): 1000 Genomes Project 30x 0.02327; 1000 Genomes Project 0.02416; TOPMed 0.04348; ExAC 0.05108; gnomAD 0.05114 and 0.05303; ESP Exome Variant Server 0.05167; gnomAD exomes 0.05242 and 0.06469.
gnomAD v4.1: 101,815 of 1,613,032 alleles (6.3%); highest among the groups gnomAD compares: Non-Finnish European, 7.2%; 3,664 homozygotes.

Submissions (2):

GeneDx
Classification: Benign. Last evaluated: 2018-06-19. Review status: criteria provided, single submitter. Criteria: GeneDx Variant Classification (06012015). Collection method: clinical testing. Allele origin: germline. Affected: yes.
Comment: This variant is considered likely benign or benign based on one or more of the following criteria: it is a conservative change, it occurs at a poorly conserved position in the protein, it is predicted to be benign by multiple in silico algorithms, and/or has population frequency not consistent with disease.

Breakthrough Genomics
Classification: Benign. Review status: criteria provided, single submitter. Criteria: ACMG Guidelines, 2015. Collection method: not provided. Allele origin: germline. Inheritance: Autosomal dominant inheritance. Affected: yes.

NM_004519.4(KCNQ3):c.933+25T>C

Gene: KCNQ3 (potassium voltage-gated channel subfamily Q member 3; minus strand). Cytogenetic location: 8q24.22.
Variant type: single nucleotide variant.
Coding change: c.933+25T>C on transcript NM_004519.4 (MANE Select); 25 bases into the intron after coding-DNA position 933, T replaced by C.
Molecular consequence: intron variant.
Genome position (GRCh38, 1-based): chr8:132,175,428, A>G on the plus strand (T>C on the coding strand, the complement: KCNQ3 is on the minus strand). VCF-style: chr8-132175428-A-G. GRCh37 (hg19) VCF-style: chr8-133187675-A-G.
Other names: c.573+25T>C (NM_001204824.2).
Identifiers: ClinVar variation 670822 (VCV000670822.2), dbSNP rs17575971, ClinGen allele CA4880814.